The following is an entry in ClinVar:

ClinVar aggregate classification (germline): Benign/Likely benign. Review status: criteria provided, multiple submitters, no conflicts (2 of 4 stars). 5 submissions from 5 submitters: Benign (3); Likely benign (1). 1 of the submissions does not count toward it. Last evaluated 2026-02-03.

Conditions:
IL6ST-related disorder. Also called: IL6ST-related condition.

Allele frequency attached by ClinVar (database versions not stated): 1000 Genomes Project 30x 0.01046; 1000 Genomes Project 0.01078; gnomAD 0.01848 and 0.01859; ExAC 0.01930; gnomAD exomes 0.01937; TOPMed 0.01980; ESP Exome Variant Server 0.02184.
gnomAD v4.1: 36,235 of 1,605,820 alleles (2.3%); highest among the groups gnomAD compares: Middle Eastern, 3.8%; 530 homozygotes.

Submissions (5):

Labcorp Genetics (formerly Invitae), Labcorp
Classification: Benign. Last evaluated: 2026-02-03. Review status: criteria provided, single submitter. Criteria: Invitae Variant Classification Sherloc (09022015). Collection method: clinical testing. Allele origin: germline.

Women's Health and Genetics/Laboratory Corporation of America, LabCorp
Classification: Likely benign. Last evaluated: 2026-01-22. Review status: criteria provided, single submitter. Criteria: LabCorp Variant Classification Summary - May 2015. Collection method: clinical testing. Allele origin: germline.

Mayo Clinic Laboratories, Mayo Clinic
Classification: Benign. Last evaluated: 2023-10-08. Review status: criteria provided, single submitter. Criteria: ACMG Guidelines, 2015. Collection method: clinical testing. Allele origin: germline. Observed: 4 variant alleles.

Breakthrough Genomics
Classification: Benign. Review status: criteria provided, single submitter. Criteria: ACMG Guidelines, 2015. Collection method: not provided. Allele origin: germline. Inheritance: Autosomal recessive inheritance. Affected: yes.

PreventionGenetics, part of Exact Sciences
Classification: Benign for IL6ST-related condition. Last evaluated: 2019-10-30. Review status: no assertion criteria provided. Collection method: clinical testing. Allele origin: germline. Not counted in ClinVar's aggregate classification.
Comment: This variant is classified as benign based on ACMG/AMP sequence variant interpretation guidelines (Richards et al. 2015 PMID: 25741868, with internal and published modifications).

NM_002184.4(IL6ST):c.1495G>A (p.Val499Ile)

Gene: IL6ST (interleukin 6 cytokine family signal transducer; minus strand). Cytogenetic location: 5q11.2.
Variant type: single nucleotide variant.
Coding change: c.1495G>A on transcript NM_002184.4 (MANE Select); coding-DNA position 1495, G replaced by A.
Protein change: p.Val499Ile; replaces valine 499 with isoleucine.
Molecular consequence: missense variant. On other transcripts: 3 prime UTR variant (1), non-coding transcript variant (2), intron variant (1).
Genome position (GRCh38, 1-based): chr5:55,952,307, C>T on the plus strand (G>A on the coding strand, the complement: IL6ST is on the minus strand). VCF-style: chr5-55952307-C-T. GRCh37 (hg19) VCF-style: chr5-55248135-C-T.
Other names: p.Val499Ile; c.1312G>A, p.Val438Ile (NM_001190981.2); c.1285G>A, p.Val429Ile (NM_001364276.2); c.628G>A, p.Val210Ile (NM_001364277.2); c.592G>A, p.Val198Ile (NM_001364278.2); c.499G>A, p.Val167Ile (NM_001364279.2); c.*422G>A (NM_175767.3); c.1451-232G>A (NM_001364275.2); and 1 more; short protein forms V167I, V198I, V210I, V429I, V438I, V499I.
Identifiers: ClinVar variation 1167486 (VCV001167486.14), dbSNP rs34417936, ClinGen allele CA3271398.
Genomic context (GRCh38, chr5:55,952,307, plus strand): 5'-TACGAGCTTGTTTAAGGTATGCCTTTATGGATTCAGGGCTTCCTGGTCCATCAGCATATA[C>T]TGGAGTAACTGTTATCAAATAGCATTTGCTCTCTGCTAAGTTCCCTAAAGCAAGAATAGC-3'
Protein context (NP_002175.2, residues 489-509): SKCYLITVTP[Val499Ile]YADGPGSPES